The following is an entry in ClinVar:

NM_001034853.2(RPGR):c.2821G>T (p.Gly941Trp)

Gene: RPGR (retinitis pigmentosa GTPase regulator; minus strand). Cytogenetic location: Xp11.4.
Variant type: single nucleotide variant.
Coding change: c.2821G>T on transcript NM_001034853.2 (MANE Select); coding-DNA position 2821, G replaced by T.
Protein change: p.Gly941Trp; replaces glycine 941 with tryptophan.
Molecular consequence: missense variant. On other transcripts: intron variant (8).
Genome position (GRCh38, 1-based): chrX:38,286,178, C>A on the plus strand (G>T on the coding strand, the complement: RPGR is on the minus strand). VCF-style: chrX-38286178-C-A. GRCh37 (hg19) VCF-style: chrX-38145431-C-A.
Other names: c.1569+4781G>T (NM_001367249.1, NM_001367250.1); c.1902+916G>T (NM_001367245.1); c.1386+4781G>T (NM_001367251.1); c.1719+916G>T (NM_001367246.1); c.1572+4781G>T (NM_001367247.1); c.1905+916G>T (NM_000328.3); c.1602+4781G>T (NM_001367248.1); short protein forms G941W.
Identifiers: ClinVar variation 867012 (VCV000867012.4), dbSNP rs763102799, ClinGen allele CA10385245.

ClinVar aggregate classification (germline): Uncertain significance. Review status: criteria provided, multiple submitters, no conflicts (2 of 4 stars). 3 submissions from 2 submitters: Uncertain significance (2). 1 of the submissions does not count toward it. Last evaluated 2024-06-05.

Conditions:
Retinitis pigmentosa 3. Also called: CHOROIDORETINAL DEGENERATION WITH RETINAL REFLEX IN HETEROZYGOUS WOMEN. Identifiers: Orphanet 791, MedGen C1845667, MONDO:0010227, OMIM 300029.
Retinal dystrophy. Also called: Inherited retinal dystrophy. Identifiers: Orphanet 71862, MedGen C0854723, MeSH D058499, MONDO:0019118, HP:0000556.
Primary ciliary dyskinesia. Also called: Ciliary dyskinesia. Identifiers: Orphanet 244, MedGen C0008780, MONDO:0016575, HP:0012265.

Allele frequency attached by ClinVar (database versions not stated): gnomAD exomes 0.00001; ExAC 0.00098.

Submissions (3):

Labcorp Genetics (formerly Invitae), Labcorp
Classification: Uncertain significance for Primary ciliary dyskinesia. Last evaluated: 2024-06-05. Review status: criteria provided, single submitter. Criteria: Invitae Variant Classification Sherloc (09022015). Collection method: clinical testing. Allele origin: germline.
Comment: This sequence change replaces glycine, which is neutral and non-polar, with tryptophan, which is neutral and slightly polar, at codon 941 of the RPGR (ORF15) protein (p.Gly941Trp). The frequency data for this variant in the population databases is considered unreliable, as metrics indicate insufficient coverage at this position in the gnomAD database. This variant has not been reported in the literature in individuals affected with RPGR (ORF15)-related conditions. ClinVar contains an entry for this variant (Variation ID: 867012). Advanced modeling of protein sequence and biophysical properties (such as structural, functional, and spatial information, amino acid conservation, physicochemical variation, residue mobility, and thermodynamic stability) performed at Invitae indicates that this missense variant is not expected to disrupt RPGR (ORF15) protein function with a negative predictive value of 95%. In summary, the available evidence is currently insufficient to determine the role of this variant in disease. Therefore, it has been classified as a Variant of Uncertain Significance.

Blueprint Genetics
Classification: Uncertain significance for Retinal dystrophy. Last evaluated: 2018-10-23. Review status: criteria provided, single submitter. Criteria: Blueprint Genetics Variant Classification Scheme. Collection method: clinical testing. Allele origin: germline. Affected: yes.

Blueprint Genetics
Classification: Uncertain significance for Retinitis pigmentosa 3. Review status: no assertion criteria provided. Collection method: clinical testing. Allele origin: germline. Affected: yes. Not counted in ClinVar's aggregate classification.